The following is an entry in ClinVar:

NM_153332.4(ERI1):c.109-18_109-6del

Gene: ERI1 (exoribonuclease 1). Cytogenetic location: 8p23.1.
Variant type: Deletion.
Coding change: c.109-18_109-6del on transcript NM_153332.4 (MANE Select); 18 bases into the intron before coding-DNA position 109 through 6 bases into the intron before coding-DNA position 109, this stretch deleted.
Molecular consequence: intron variant.
Genome position: GRCh38 VCF-style: chr8-9007935-CTTTTTTTTTTTTT-C. GRCh37 (hg19) VCF-style: chr8-8865445-CTTTTTTTTTTTTT-C.
Other names: c.109-18_109-6del (NM_001354638.2); c.-416-18_-416-6del (NM_001354636.2); c.-126-18_-126-6del (NM_001354635.2).
Identifiers: ClinVar variation 3042758 (VCV003042758.2), dbSNP rs556702690, ClinGen allele CA856693716.

ClinVar aggregate classification (germline): Likely benign (0 of 4 stars; one submission).

Conditions:
ERI1-related disorder. Also called: ERI1-related condition.

Submission:

PreventionGenetics, part of Exact Sciences
Classification: Likely benign for ERI1-related condition. Last evaluated: 2019-08-14. Review status: no assertion criteria provided. Collection method: clinical testing. Allele origin: germline.
Comment: This variant is classified as likely benign based on ACMG/AMP sequence variant interpretation guidelines (Richards et al. 2015 PMID: 25741868, with internal and published modifications).